The following is an entry in ClinVar:

NM_001399.5(EDA):c.637_638del (p.Val213fs)

Gene: EDA (ectodysplasin A; plus strand). Cytogenetic location: Xq13.1.
Variant type: Deletion.
Coding change: c.637_638del on transcript NM_001399.5 (MANE Select); coding-DNA positions 637 to 638, 2 bases deleted (GT; older notation c.637_638delGT).
Protein change: p.Val213fs; shifts the reading frame from valine 213.
Molecular consequence: frameshift variant.
Genome position (GRCh38, 1-based): chrX:70,027,967-70,027,968, GT deleted; deleting any 2 consecutive bases within chrX:70,027,966-70,027,968 gives the same sequence; the c. name uses the placement nearest the transcript's 3' end. VCF-style (leftmost placement, unchanged base first): chrX-70027965-CTG-C. GRCh37 (hg19) VCF-style: chrX-69247815-CTG-C.
Other names: c.637_638del, p.Val213fs (NM_001005609.2, NM_001005612.3, NM_001440761.1 and 1 more transcripts); short protein forms V213fs.
Identifiers: ClinVar variation 4856974 (VCV004856974.1).

ClinVar aggregate classification (germline): Pathogenic (1 of 4 stars; one submission).

Conditions:
Ectodermal dysplasia. Also called: Ectodermal dysplasia syndrome. Identifiers: Orphanet 79373, MedGen C0013575, MONDO:0019287, HP:0000968.

Submission:

Genetics Laboratory, Great Ormond Street Hospital NHS Foundation Trust, North Thames Genomic Laboratory Hub
Classification: Pathogenic for Ectodermal dysplasia. Last evaluated: 2026-04-21. Review status: criteria provided, single submitter. Criteria: ACGS Best Practice Guidelines for Variant Classification in Rare Disease 2024 v1.2. Collection method: clinical testing. Allele origin: germline. Affected: yes.
Comment: PM2_moderate, PVS1_very-strong